The following is an entry in ClinVar:

ClinVar aggregate classification (germline): Benign (1 of 4 stars; one submission).

Conditions:
Leigh syndrome (NULS). Also called: Leigh's necrotizing encephalopathy; Leigh's disease; Leigh Syndrome (mtDNA deletion); Leigh Disease; Subacute necrotizing encephalopathy; Necrotizing encephalopathy infantile subacute of Leigh. Identifiers: Orphanet 506, MedGen C2931891, MONDO:0009723, OMIM 256000.

Submission:

Wong Mito Lab, Molecular and Human Genetics, Baylor College of Medicine
Classification: Benign for Leigh syndrome. Last evaluated: 2019-10-17. Review status: criteria provided, single submitter. Criteria: Modified ACMG Guidelines (Unpublished). Collection method: clinical testing. Allele origin: germline.
Comment: The NC_012920.1:m.10324T>C (YP_003024033.1:p.Met89Thr) variant in MTND3 gene is interpretated to be a Benign variant based on the modified ACMG guidelines (unpublished). This variant meets the following evidence codes: BS1, BS2, BP4

NC_012920.1(MT-ND3):m.10324T>C

Gene: MT-ND3 (mitochondrially encoded NADH dehydrogenase 3; plus strand).
Variant type: single nucleotide variant.
Genome position: chrM-10324-T-C.
Identifiers: ClinVar variation 693278 (VCV000693278.1), dbSNP rs1603222776, ClinGen allele CA414805028.